The following is an entry in ClinVar:

ClinVar aggregate classification (germline): Uncertain significance (1 of 4 stars; one submission).

Allele frequency attached by ClinVar (database versions not stated): ExAC 0.00001; gnomAD exomes 0.00001.
gnomAD v4.1: 12 of 1,614,074 alleles (0.00074%); highest among the groups gnomAD compares: Non-Finnish European, 0.001%; no homozygotes.

Submission:

Labcorp Genetics (formerly Invitae), Labcorp
Classification: Uncertain significance. Last evaluated: 2023-11-27. Review status: criteria provided, single submitter. Criteria: Invitae Variant Classification Sherloc (09022015). Collection method: clinical testing. Allele origin: germline.
Comment: This sequence change replaces alanine, which is neutral and non-polar, with threonine, which is neutral and polar, at codon 520 of the TTLL5 protein (p.Ala520Thr). This variant is present in population databases (rs752219731, gnomAD 0.002%). This variant has not been reported in the literature in individuals affected with TTLL5-related conditions. ClinVar contains an entry for this variant (Variation ID: 2105278). Advanced modeling of protein sequence and biophysical properties (such as structural, functional, and spatial information, amino acid conservation, physicochemical variation, residue mobility, and thermodynamic stability) performed at Invitae indicates that this missense variant is not expected to disrupt TTLL5 protein function with a negative predictive value of 80%. In summary, the available evidence is currently insufficient to determine the role of this variant in disease. Therefore, it has been classified as a Variant of Uncertain Significance.

NM_015072.5(TTLL5):c.1558G>A (p.Ala520Thr)

Gene: TTLL5 (tubulin tyrosine ligase like 5; plus strand). Cytogenetic location: 14q24.3.
Variant type: single nucleotide variant.
Coding change: c.1558G>A on transcript NM_015072.5 (MANE Select); coding-DNA position 1558, G replaced by A.
Protein change: p.Ala520Thr; replaces alanine 520 with threonine.
Molecular consequence: missense variant.
Genome position (GRCh38, 1-based): chr14:75,764,622, G>A. VCF-style: chr14-75764622-G-A. GRCh37 (hg19) VCF-style: chr14-76230965-G-A.
Other names: short protein forms A520T.
Identifiers: ClinVar variation 2105278 (VCV002105278.4), dbSNP rs752219731, ClinGen allele CA7279465.
Genomic context (GRCh38, chr14:75,764,622, plus strand): 5'-ATGAAGGAGAGAACTTTCTGAAGGCCATAGCTACCATGTTGCTTTTCCCCTAGAATGACT[G>A]CTGATGGAGCGCCAGAATTGAAGATAGAGAGTCTGAATTCAAAGGCCAAGCTGCATGCTG-3'
Protein context (NP_055887.3, residues 510-530): ATRLFQDRMT[Ala520Thr]DGAPELKIES